The following is an entry in ClinVar:

NM_001369.3(DNAH5):c.8247C>G (p.Tyr2749Ter)

Gene: DNAH5 (dynein axonemal heavy chain 5; minus strand). Cytogenetic location: 5p15.2.
Variant type: single nucleotide variant.
Coding change: c.8247C>G on transcript NM_001369.3 (MANE Select); coding-DNA position 8247, C replaced by G.
Protein change: p.Tyr2749Ter; replaces tyrosine 2749 with a stop codon.
Molecular consequence: nonsense.
Genome position (GRCh38, 1-based): chr5:13,792,195, G>C on the plus strand (C>G on the coding strand, the complement: DNAH5 is on the minus strand). VCF-style: chr5-13792195-G-C. GRCh37 (hg19) VCF-style: chr5-13792304-G-C.
Other names: short protein forms Y2749*.
Identifiers: ClinVar variation 5012945 (VCV005012945.1).
Genomic context (GRCh38, chr5:13,792,195, plus strand): 5'-CAGAGGCACCAATTTTGTCACAGAATCTCTCACTTCTTCTGAGAAACCCCTCTGAGTACA[G>C]TAGTGGCCTACCCCAATCACACCTGAAAAGGGGGAAATTACAGCATTTTGATTAGCCATT-3'

ClinVar aggregate classification (germline): Pathogenic (1 of 4 stars; one submission).

Conditions:
Primary ciliary dyskinesia 3. Identifiers: Orphanet 244, MedGen C1837618, MONDO:0012085, OMIM 608644.

Submission:

Myriad Genetics, Inc.
Classification: Pathogenic for Primary ciliary dyskinesia 3. Last evaluated: 2024-04-23. Review status: criteria provided, single submitter. Criteria: Myriad Autosomal Dominant, Autosomal Recessive and X-Linked Classification Criteria (2023). Collection method: clinical testing. Allele origin: unknown.
Comment: NM_001369.2(DNAH5):c.8247C>G(Y2749*) is expected to be pathogenic in the context of primary ciliary dyskinesia, DNAH5-related. This variant is predicted to lead to an abnormal or absent protein product due to the creation of a premature termination codon in DNAH5, a gene where loss-of-function variants are known to be pathogenic. Please note: this variant was assessed in the context of healthy population screening.